The following is an entry in ClinVar:

ClinVar aggregate classification (germline): Likely benign. Review status: criteria provided, multiple submitters, no conflicts (2 of 4 stars). 3 submissions from 3 submitters: Likely benign (3). Last evaluated 2025-10-12.

Conditions:
Cardiomyopathy (CMYO). Also called: Cardiomyopathies. Identifiers: Orphanet 167848, MedGen C0878544, MONDO:0004994, HP:0001638. Inheritance: Various modes of inheritance.
Arrhythmogenic right ventricular dysplasia 10. Also called: Arrhythmogenic right ventricular dysplasia/cardiomyopathy, type 10; Arrhythmogenic Right Ventricular Dysplasia/Cardiomyopathy10; ARRHYTHMOGENIC RIGHT VENTRICULAR DYSPLASIA, FAMILIAL, 10. Identifiers: MedGen C1857777, MONDO:0012434, OMIM 610193.
Arrhythmogenic right ventricular cardiomyopathy (ARVD). Also called: Cardiomyopathy, ARVC; Arrhythmogenic right ventricular dysplasia; Arrhythmogenic cardiomyopathy; Arrhythmogenic Right Ventricular Cardiomyopathy (ARVC). Identifiers: Orphanet 247, MedGen C0349788, MeSH D019571, MONDO:0016587. Disease mechanism: loss of function. Inheritance: Various modes of inheritance.

Allele frequency attached by ClinVar (database versions not stated): gnomAD exomes below 0.00001.

Submissions (3):

Labcorp Genetics (formerly Invitae), Labcorp
Classification: Likely benign for Arrhythmogenic right ventricular dysplasia 10. Last evaluated: 2025-10-12. Review status: criteria provided, single submitter. Criteria: Invitae Variant Classification Sherloc (09022015). Collection method: clinical testing. Allele origin: germline.

All of Us Research Program, National Institutes of Health
Classification: Likely benign for Arrhythmogenic right ventricular cardiomyopathy. Last evaluated: 2024-05-14. Review status: criteria provided, single submitter. Criteria: ACMG Guidelines, 2015. Collection method: clinical testing. Allele origin: germline. Inheritance: Autosomal dominant inheritance. Observed: 1 variant allele, 1 heterozygote.
Comment: This study involves interpretation of variants in research participants for the purpose of population health screening. Participant phenotype was not available at the time of variant classification. Additional details can be found in publication PMID: 35346344, PMCID: PMC8962531

Color Diagnostics, LLC DBA Color Health
Classification: Likely benign for Cardiomyopathy. Last evaluated: 2022-11-06. Review status: criteria provided, single submitter. Criteria: ACMG Guidelines, 2015. Collection method: clinical testing. Allele origin: germline.

NM_001943.5(DSG2):c.2419C>T (p.Leu807=)

Genes: DSG2-AS1 (DSG2 antisense RNA 1; minus strand), DSG2 (desmoglein 2; plus strand). Cytogenetic location: 18q12.1.
Variant type: single nucleotide variant.
Coding change: c.2419C>T on transcript NM_001943.5 (MANE Select); coding-DNA position 2419, C replaced by T.
Protein change: p.Leu807=; no amino-acid change (leucine 807 retained).
Molecular consequence: synonymous variant. On other transcripts: non-coding transcript variant (1).
Genome position (GRCh38, 1-based): chr18:31,545,805, C>T. VCF-style: chr18-31545805-C-T. GRCh37 (hg19) VCF-style: chr18-29125768-C-T.
Identifiers: ClinVar variation 1563767 (VCV001563767.10), dbSNP rs201416898, ClinGen allele CA297701831.